The following is an entry in ClinVar:

NM_001349253.2(SCN11A):c.644C>T (p.Thr215Ile)

Gene: SCN11A (sodium voltage-gated channel alpha subunit 11; minus strand). Cytogenetic location: 3p22.2.
Variant type: single nucleotide variant.
Coding change: c.644C>T on transcript NM_001349253.2 (MANE Select); coding-DNA position 644, C replaced by T.
Protein change: p.Thr215Ile; replaces threonine 215 with isoleucine.
Molecular consequence: missense variant.
Genome position (GRCh38, 1-based): chr3:38,925,483, G>A on the plus strand (C>T on the coding strand, the complement: SCN11A is on the minus strand). VCF-style: chr3-38925483-G-A. GRCh37 (hg19) VCF-style: chr3-38966974-G-A.
Other names: c.644C>T, p.Thr215Ile (NM_014139.3); short protein forms T215I.
Identifiers: ClinVar variation 1962231 (VCV001962231.5), dbSNP rs2066124702, ClinGen allele CA352173380.

ClinVar aggregate classification (germline): Uncertain significance (1 of 4 stars; one submission).

Conditions:
Hereditary sensory and autonomic neuropathy type 7. Also called: HSAN VII; Neuropathy, hereditary sensory and autonomic, type VII. Identifiers: Orphanet 391397, MedGen C3809882, MONDO:0014244, OMIM 615548.
Familial episodic pain syndrome with predominantly lower limb involvement. Also called: Episodic pain syndrome, familial, 3. Identifiers: Orphanet 391384, Orphanet 391392, MedGen C3809899, MONDO:0014247, OMIM 615552.

Submission:

Labcorp Genetics (formerly Invitae), Labcorp
Classification: Uncertain significance for Familial episodic pain syndrome with predominantly lower limb involvement; Hereditary sensory and autonomic neuropathy type 7. Last evaluated: 2022-03-10. Review status: criteria provided, single submitter. Criteria: Invitae Variant Classification Sherloc (09022015). Collection method: clinical testing. Allele origin: germline.
Comment: In summary, the available evidence is currently insufficient to determine the role of this variant in disease. Therefore, it has been classified as a Variant of Uncertain Significance. Algorithms developed to predict the effect of missense changes on protein structure and function output the following: SIFT: "Tolerated"; PolyPhen-2: "Benign"; Align-GVGD: "Class C0". The isoleucine amino acid residue is found in multiple mammalian species, which suggests that this missense change does not adversely affect protein function. This variant has not been reported in the literature in individuals affected with SCN11A-related conditions. This variant is not present in population databases (gnomAD no frequency). This sequence change replaces threonine, which is neutral and polar, with isoleucine, which is neutral and non-polar, at codon 215 of the SCN11A protein (p.Thr215Ile).